The following is an entry in ClinVar:

ClinVar aggregate classification (germline): Likely benign. Review status: criteria provided, multiple submitters, no conflicts (2 of 4 stars). 2 submissions from 2 submitters: Likely benign (2). Last evaluated 2025-03-26.

Conditions:
PKHD1-related disorder. Also called: PKHD1-related condition.
Autosomal recessive polycystic kidney disease (ARPKD). Also called: AR polycystic kidney disease. Identifiers: Orphanet 731, Orphanet 8378, MedGen C0085548, MeSH D017044, MONDO:0009889.

Allele frequency attached by ClinVar (database versions not stated): gnomAD exomes below 0.00001.
gnomAD v4.1: 1 of 1,614,090 alleles (0.000062%); highest among the groups gnomAD compares: East Asian, 0.0022%; no homozygotes.

Submissions (2):

PreventionGenetics, part of Exact Sciences
Classification: Likely benign for PKHD1-related condition. Last evaluated: 2025-03-26. Review status: criteria provided, single submitter. Criteria: ACMG Guidelines, 2015. Collection method: clinical testing. Allele origin: germline.
Comment: This variant is classified as likely benign based on ACMG/AMP sequence variant interpretation guidelines (Richards et al. 2015 PMID: 25741868, with internal and published modifications).

Labcorp Genetics (formerly Invitae), Labcorp
Classification: Likely benign for Autosomal recessive polycystic kidney disease. Last evaluated: 2023-09-08. Review status: criteria provided, single submitter. Criteria: Invitae Variant Classification Sherloc (09022015). Collection method: clinical testing. Allele origin: germline.

NM_138694.4(PKHD1):c.213A>G (p.Ala71=)

Gene: PKHD1 (PKHD1 ciliary IPT domain containing fibrocystin/polyductin; minus strand). Cytogenetic location: 6p12.2.
Variant type: single nucleotide variant.
Coding change: c.213A>G on transcript NM_138694.4 (MANE Select); coding-DNA position 213, A replaced by G.
Protein change: p.Ala71=; no amino-acid change (alanine 71 retained).
Molecular consequence: synonymous variant.
Genome position (GRCh38, 1-based): chr6:52,082,460, T>C on the plus strand (A>G on the coding strand, the complement: PKHD1 is on the minus strand). VCF-style: chr6-52082460-T-C. GRCh37 (hg19) VCF-style: chr6-51947258-T-C.
Other names: c.213A>G, p.Ala71= (NM_170724.3); c.213A>G (NM_138694.3).
Identifiers: ClinVar variation 1156179 (VCV001156179.10), dbSNP rs779924275, ClinGen allele CA450421830.